The following is an entry in ClinVar:

ClinVar aggregate classification (germline): Uncertain significance. Review status: criteria provided, multiple submitters, no conflicts (2 of 4 stars). 2 submissions from 2 submitters: Uncertain significance (2). Last evaluated 2025-11-09.

Conditions:
Hereditary cancer-predisposing syndrome. Also called: Hereditary neoplastic syndrome; Neoplastic Syndromes, Hereditary; Tumor predisposition; Hereditary Cancer Syndrome. Identifiers: Orphanet 140162, MedGen C0027672, MeSH D009386, MONDO:0015356.
Tuberous sclerosis 1 (TSC1). Identifiers: Orphanet 805, MedGen C1854465, MONDO:0008612, OMIM 191100.

Allele frequency attached by ClinVar (database versions not stated): gnomAD exomes below 0.00001.
gnomAD v4.1: 1 of 1,614,240 alleles (0.000062%); highest among the groups gnomAD compares: Non-Finnish European, 0.000085%; no homozygotes.

Submissions (2):

Labcorp Genetics (formerly Invitae), Labcorp
Classification: Uncertain significance for Tuberous sclerosis 1. Last evaluated: 2025-11-09. Review status: criteria provided, single submitter. Criteria: Invitae Variant Classification Sherloc (09022015). Collection method: clinical testing. Allele origin: germline.
Comment: This sequence change replaces arginine, which is basic and polar, with glycine, which is neutral and non-polar, at codon 947 of the TSC1 protein (p.Arg947Gly). This variant is not present in population databases (gnomAD no frequency). This variant has not been reported in the literature in individuals affected with TSC1-related conditions. ClinVar contains an entry for this variant (Variation ID: 1020315). Invitae Evidence Modeling of protein sequence and biophysical properties (such as structural, functional, and spatial information, amino acid conservation, physicochemical variation, residue mobility, and thermodynamic stability) indicates that this missense variant is not expected to disrupt TSC1 protein function with a negative predictive value of 95%. In summary, the available evidence is currently insufficient to determine the role of this variant in disease. Therefore, it has been classified as a Variant of Uncertain Significance.

Ambry Genetics
Classification: Uncertain significance for Hereditary cancer-predisposing syndrome. Last evaluated: 2024-04-07. Review status: criteria provided, single submitter. Criteria: Ambry Variant Classification Scheme 2023. Collection method: clinical testing. Allele origin: germline.
Comment: The p.R947G variant (also known as c.2839A>G), located in coding exon 20 of the TSC1 gene, results from an A to G substitution at nucleotide position 2839. The arginine at codon 947 is replaced by glycine, an amino acid with dissimilar properties. This amino acid position is conserved. In addition, this alteration is predicted to be deleterious by in silico analysis. Since supporting evidence is limited at this time, the clinical significance of this alteration remains unclear.

NM_000368.5(TSC1):c.2839A>G (p.Arg947Gly)

Gene: TSC1 (TSC complex subunit 1; minus strand). Cytogenetic location: 9q34.13.
Variant type: single nucleotide variant.
Coding change: c.2839A>G on transcript NM_000368.5 (MANE Select); coding-DNA position 2839, A replaced by G.
Protein change: p.Arg947Gly; replaces arginine 947 with glycine.
Molecular consequence: missense variant.
Genome position (GRCh38, 1-based): chr9:132,897,320, T>C on the plus strand (A>G on the coding strand, the complement: TSC1 is on the minus strand). VCF-style: chr9-132897320-T-C. GRCh37 (hg19) VCF-style: chr9-135772707-T-C.
Other names: c.2836A>G, p.Arg946Gly (NM_001162426.2); c.2686A>G, p.Arg896Gly (NM_001162427.2); c.2476A>G, p.Arg826Gly (NM_001362177.2); short protein forms R826G, R896G, R946G, R947G.
Identifiers: ClinVar variation 1020315 (VCV001020315.11), dbSNP rs1845130132, ClinGen allele CA375368900.
Genomic context (GRCh38, chr9:132,897,320, plus strand): 5'-CATATAAATCTAAGATCTCCAATTCAAACACCTGGGTTATCCTTTTCTGAGCCTCATACC[T>C]GCTCTCTGCGGCCTGCAGCTGTCCTCTGAAAGATACAGACCAGCCAGAATATAGGAAGTT-3'
Protein context (NP_000359.1, residues 937-957): ARGQLQAAES[Arg947Gly]YEAQKRITQV